The following is an entry in ClinVar:

ClinVar aggregate classification (germline): Likely benign (1 of 4 stars; one submission).

Submission:

CeGaT Center for Human Genetics Tuebingen
Classification: Likely benign. Last evaluated: 2023-10-01. Review status: criteria provided, single submitter. Criteria: CeGaT Center For Human Genetics Tuebingen Variant Classification Criteria Version 2. Collection method: clinical testing. Allele origin: germline. Affected: yes. Observed: 1 variant allele.
Comment: OTUD6B: BP4, BP7

NM_016023.5(OTUD6B):c.96C>G (p.Gly32=)

Gene: OTUD6B (OTU deubiquitinase 6B; plus strand). Cytogenetic location: 8q21.3.
Variant type: single nucleotide variant.
Coding change: c.96C>G on transcript NM_016023.5 (MANE Select); coding-DNA position 96, C replaced by G.
Protein change: p.Gly32=; no amino-acid change (glycine 32 retained).
Molecular consequence: synonymous variant. On other transcripts: 5 prime UTR variant (1).
Genome position (GRCh38, 1-based): chr8:91,071,151, C>G. VCF-style: chr8-91071151-C-G. GRCh37 (hg19) VCF-style: chr8-92083379-C-G.
Other names: c.-348C>G (NM_001286745.3); c.96C>G, p.Gly32= (NM_001416022.1).
Identifiers: ClinVar variation 2658684 (VCV002658684.24), dbSNP rs1276451554, ClinGen allele CA461835515.